The following is an entry in ClinVar:

ClinVar aggregate classification (germline): Uncertain significance (1 of 4 stars; one submission).

Conditions:
Duchenne muscular dystrophy (DMD). Also called: MUSCULAR DYSTROPHY, PSEUDOHYPERTROPHIC PROGRESSIVE, DUCHENNE TYPE; Duchenne Muscular Dystrophy (DMD). Identifiers: Orphanet 98896, MedGen C0013264, MONDO:0010679, OMIM 310200.

gnomAD v4.1: 1 of 1,208,893 alleles (0.000083%); highest among the groups gnomAD compares: African/African-American, 0.0018%; no homozygotes.

Submission:

Labcorp Genetics (formerly Invitae), Labcorp
Classification: Uncertain significance for Duchenne muscular dystrophy. Last evaluated: 2025-01-06. Review status: criteria provided, single submitter. Criteria: Invitae Variant Classification Sherloc (09022015). Collection method: clinical testing. Allele origin: germline.
Comment: This sequence change replaces threonine, which is neutral and polar, with lysine, which is basic and polar, at codon 1734 of the DMD protein (p.Thr1734Lys). This variant is not present in population databases (gnomAD no frequency). This variant has not been reported in the literature in individuals affected with DMD-related conditions. Invitae Evidence Modeling of protein sequence and biophysical properties (such as structural, functional, and spatial information, amino acid conservation, physicochemical variation, residue mobility, and thermodynamic stability) indicates that this missense variant is not expected to disrupt DMD protein function with a negative predictive value of 95%. In summary, the available evidence is currently insufficient to determine the role of this variant in disease. Therefore, it has been classified as a Variant of Uncertain Significance.

NM_004006.3(DMD):c.5201C>A (p.Thr1734Lys)

Gene: DMD (dystrophin; minus strand). Cytogenetic location: Xp21.1.
Variant type: single nucleotide variant.
Coding change: c.5201C>A on transcript NM_004006.3 (MANE Select); coding-DNA position 5201, C replaced by A.
Protein change: p.Thr1734Lys; replaces threonine 1734 with lysine.
Molecular consequence: missense variant.
Genome position (GRCh38, 1-based): chrX:32,362,912, G>T on the plus strand (C>A on the coding strand, the complement: DMD is on the minus strand). VCF-style: chrX-32362912-G-T. GRCh37 (hg19) VCF-style: chrX-32381029-G-T.
Other names: c.5177C>A, p.Thr1726Lys (NM_000109.4); c.5189C>A, p.Thr1730Lys (NM_004009.3); c.4832C>A, p.Thr1611Lys (NM_004010.3); c.1178C>A, p.Thr393Lys (NM_004011.4); c.1169C>A, p.Thr390Lys (NM_004012.4); short protein forms T1726K, T1611K, T1730K, T390K, T393K, T1734K.
Identifiers: ClinVar variation 3634822 (VCV003634822.2).
Genomic context (GRCh38, chrX:32,362,912, plus strand): 5'-TCTACTAATTTCCTGCAGTGGTCACCGCGGTTTGCCATCAAGTTTGCTGCTTGGTCACGT[G>T]TAGAGTCCACCTTTGGGCGTATGTCATTCAGTTCTGCCTTTAAACGCTATATTCCATGAG-3'
Protein context (NP_003997.2, residues 1724-1744): LNDIRPKVDS[Thr1734Lys]RDQAANLMAN